The following is an entry in ClinVar:

NM_016628.5(WAC):c.1643C>T (p.Ser548Phe)

Gene: WAC (WW domain containing adaptor with coiled-coil; plus strand). Cytogenetic location: 10p12.1.
Variant type: single nucleotide variant.
Coding change: c.1643C>T on transcript NM_016628.5 (MANE Select); coding-DNA position 1643, C replaced by T.
Protein change: p.Ser548Phe; replaces serine 548 with phenylalanine.
Molecular consequence: missense variant.
Genome position (GRCh38, 1-based): chr10:28,616,259, C>T. VCF-style: chr10-28616259-C-T. GRCh37 (hg19) VCF-style: chr10-28905188-C-T.
Other names: c.1508C>T, p.Ser503Phe (NM_100264.3); c.1334C>T, p.Ser445Phe (NM_100486.4); short protein forms S445F, S503F, S548F.
Identifiers: ClinVar variation 1311528 (VCV001311528.2), dbSNP rs750558956, ClinGen allele CA5455116.

ClinVar aggregate classification (germline): Uncertain significance (1 of 4 stars; one submission).

Allele frequency attached by ClinVar (database versions not stated): gnomAD exomes 0.00001; TOPMed 0.00001; ExAC 0.00002.
gnomAD v4.1: 5 of 1,614,048 alleles (0.00031%); highest among the groups gnomAD compares: South Asian, 0.0022%; no homozygotes.

Submission:

GeneDx
Classification: Uncertain significance. Last evaluated: 2020-01-30. Review status: criteria provided, single submitter. Criteria: GeneDx Variant Classification Process June 2021. Collection method: clinical testing. Allele origin: germline. Affected: yes.
Comment: In silico analysis, which includes protein predictors and evolutionary conservation, supports a deleterious effect; Missense variant in a gene in which most reported pathogenic variants are truncating/loss-of-function; Has not been previously published as pathogenic or benign to our knowledge